The following is an entry in ClinVar:

ClinVar aggregate classification (germline): Uncertain significance. Review status: criteria provided, single submitter (1 of 4 stars). 2 submissions from 2 submitters: Uncertain significance (1). 1 of the submissions does not count toward it. Last evaluated 2024-05-09.

Conditions:
Ceroid lipofuscinosis, neuronal, 6A. Also called: Neuronal ceroid lipofuscinosis, late infantile, variant; Neuronal ceroid lipofuscinosis, Gypsy/Indian early juvenile variant; Neuronal ceroid lipofuscinosis 6; CLN6-Related Neuronal Ceroid-Lipofuscinosis. Identifiers: Orphanet 168491, Orphanet 228363, MedGen C5551375, MONDO:0011144, OMIM 601780.

Submissions (2):

GeneDx
Classification: Uncertain significance. Last evaluated: 2024-05-09. Review status: criteria provided, single submitter. Criteria: GeneDx Variant Classification Process June 2021. Collection method: clinical testing. Allele origin: germline. Affected: yes.
Comment: Not observed at significant frequency in large population cohorts (gnomAD); In silico analysis supports that this missense variant has a deleterious effect on protein structure/function; Has not been previously published as pathogenic or benign to our knowledge

Translational Research Program on Neuronal Ceroid Lipofuscinosis, Center for the Study of Inborn Errors of Metabolism
Classification: Pathogenic for Ceroid lipofuscinosis, neuronal, 6A. Review status: no assertion criteria provided. Collection method: research. Allele origin: inherited. Affected: yes. Observed: 1 variant allele. Not counted in ClinVar's aggregate classification.
Comment: Late Infantile NCL

NM_017882.3(CLN6):c.250T>A (p.Tyr84Asn)

Gene: CLN6 (CLN6 transmembrane ER protein; minus strand). Cytogenetic location: 15q23.
Variant type: single nucleotide variant.
Coding change: c.250T>A on transcript NM_017882.3 (MANE Select); coding-DNA position 250, T replaced by A.
Protein change: p.Tyr84Asn; replaces tyrosine 84 with asparagine.
Molecular consequence: missense variant.
Genome position (GRCh38, 1-based): chr15:68,214,337, A>T on the plus strand (T>A on the coding strand, the complement: CLN6 is on the minus strand). VCF-style: chr15-68214337-A-T. GRCh37 (hg19) VCF-style: chr15-68506675-A-T.
Other names: short protein forms Y84N.
Identifiers: ClinVar variation 560343 (VCV000560343.3), dbSNP rs1567096598, ClinGen allele CA392974414.